The following is an entry in ClinVar:

NC_000007.13:g.(?_37934048)_(37936694_?)dup

Gene: NME8 (NME/NM23 family member 8; plus strand). Cytogenetic location: 7p14.1.
Variant type: Duplication.
Identifiers: ClinVar variation 2426312 (VCV002426312.3).

ClinVar aggregate classification (germline): Uncertain significance (1 of 4 stars; one submission).

Conditions:
Primary ciliary dyskinesia 6. Also called: Primary Ciliary Dyskinesia 6: TXNDC3-Related Primary Ciliary Dyskinesia. Identifiers: Orphanet 244, MedGen C1970506, MONDO:0012571, OMIM 610852.

Submission:

Labcorp Genetics (formerly Invitae), Labcorp
Classification: Uncertain significance for Primary ciliary dyskinesia 6. Last evaluated: 2022-09-28. Review status: criteria provided, single submitter. Criteria: Invitae Variant Classification Sherloc (09022015). Collection method: clinical testing. Allele origin: germline.
Comment: This variant results in a copy number gain of the genomic region encompassing exon(s) 16-17 of the NME8 gene. This region includes the termination codon of the gene. This copy number gain extends beyond the assayed region for this gene and therefore may encompass additional genes. As the precise location of this event is unknown, it may be in tandem or it may be located elsewhere in the genome. This variant has not been reported in the literature in individuals affected with NME8-related conditions. Experimental studies and prediction algorithms are not available or were not evaluated, and the functional significance of this variant is currently unknown. In summary, the available evidence is currently insufficient to determine the role of this variant in disease. Therefore, it has been classified as a Variant of Uncertain Significance.